The following is an entry in ClinVar:

NM_014989.7(RIMS1):c.4237G>A (p.Gly1413Ser)

Gene: RIMS1 (regulating synaptic membrane exocytosis 1; plus strand). Cytogenetic location: 6q13.
Variant type: single nucleotide variant.
Coding change: c.4237G>A on transcript NM_014989.7 (MANE Select); coding-DNA position 4237, G replaced by A.
Protein change: p.Gly1413Ser; replaces glycine 1413 with serine.
Molecular consequence: missense variant. On other transcripts: intron variant (24).
Genome position (GRCh38, 1-based): chr6:72,333,706, G>A. VCF-style: chr6-72333706-G-A. GRCh37 (hg19) VCF-style: chr6-73043409-G-A.
Other names: c.2197G>A, p.Gly733Ser (NM_001168407.2); c.2158G>A, p.Gly720Ser (NM_001350414.2); c.2254G>A, p.Gly752Ser (NM_001350415.2); c.2203G>A, p.Gly735Ser (NM_001350416.2); c.2176G>A, p.Gly726Ser (NM_001350418.2); c.2311G>A, p.Gly771Ser (NM_001350420.2); c.2056G>A, p.Gly686Ser (NM_001350421.2); c.1945G>A, p.Gly649Ser (NM_001350423.2); and 53 more; short protein forms G602S, G628S, G659S, G682S, G686S, G720S, G733S, G762S.
Identifiers: ClinVar variation 2123417 (VCV002123417.5), dbSNP rs954313424, ClinGen allele CA140893865.
Genomic context (GRCh38, chr6:72,333,706, plus strand): 5'-AGATCCATCATGAAGAGCACCAGTGTCAGTGGAGAGATGTACACACTGGAGCATAATGAC[G>A]GCAGCCAGTCAGACACAGCTGTGGGTACAGTTGGAGCAGGTGGAAAGAAACGGAGATCCA-3'
Protein context (NP_055804.2, residues 1403-1423): GEMYTLEHND[Gly1413Ser]SQSDTAVGTV

ClinVar aggregate classification (germline): Uncertain significance. Review status: criteria provided, multiple submitters, no conflicts (2 of 4 stars). 2 submissions from 2 submitters: Uncertain significance (2). Last evaluated 2024-01-02.

Allele frequency attached by ClinVar (database versions not stated): gnomAD exomes below 0.00001; TOPMed below 0.00001.
gnomAD v4.1: 6 of 1,595,782 alleles (0.00038%); highest among the groups gnomAD compares: East Asian, 0.0023%; no homozygotes.

Submissions (2):

Blueprint Genetics
Classification: Uncertain significance. Last evaluated: 2024-01-02. Review status: criteria provided, single submitter. Criteria: ACMG Guidelines, 2015. Collection method: clinical testing. Allele origin: germline.

Labcorp Genetics (formerly Invitae), Labcorp
Classification: Uncertain significance. Last evaluated: 2022-04-09. Review status: criteria provided, single submitter. Criteria: Invitae Variant Classification Sherloc (09022015). Collection method: clinical testing. Allele origin: germline.
Comment: This variant is not present in population databases (gnomAD no frequency). This sequence change replaces glycine, which is neutral and non-polar, with serine, which is neutral and polar, at codon 1413 of the RIMS1 protein (p.Gly1413Ser). In summary, the available evidence is currently insufficient to determine the role of this variant in disease. Therefore, it has been classified as a Variant of Uncertain Significance. Algorithms developed to predict the effect of missense changes on protein structure and function (SIFT, PolyPhen-2, Align-GVGD) all suggest that this variant is likely to be disruptive. This variant has not been reported in the literature in individuals affected with RIMS1-related conditions.